The following is an entry in ClinVar:

NM_001042492.3(NF1):c.496G>A (p.Val166Ile)

Gene: NF1 (neurofibromin 1; plus strand). Cytogenetic location: 17q11.2.
Variant type: single nucleotide variant.
Coding change: c.496G>A on transcript NM_001042492.3 (MANE Select); coding-DNA position 496, G replaced by A.
Protein change: p.Val166Ile; replaces valine 166 with isoleucine.
Molecular consequence: missense variant.
Genome position (GRCh38, 1-based): chr17:31,169,907, G>A. VCF-style: chr17-31169907-G-A. GRCh37 (hg19) VCF-style: chr17-29496925-G-A.
Other names: c.496G>A, p.Val166Ile (NM_000267.4, NM_001128147.3); short protein forms V166I.
Identifiers: ClinVar variation 1744459 (VCV001744459.4), dbSNP rs2065903284, ClinGen allele CA398984781.
Genomic context (GRCh38, chr17:31,169,907, plus strand): 5'-CTAATACTTAATTTGATAAGTTAATTTTGGTTTTTACTTTTTAGGTTACAGGAATTAACT[G>A]TTTGTTCAGAAGACAATGTTGATGTTCATGATATAGAATTGTTACAGTATATCAATGTGG-3'
Protein context (NP_001035957.1, residues 156-176): RISTRLQELT[Val166Ile]CSEDNVDVHD

ClinVar aggregate classification (germline): Uncertain significance. Review status: criteria provided, multiple submitters, no conflicts (2 of 4 stars). 2 submissions from 2 submitters: Uncertain significance (2). Last evaluated 2024-05-08.

Conditions:
Neurofibromatosis, type 1 (NF1). Also called: VON RECKLINGHAUSEN DISEASE; NEUROFIBROMATOSIS, TYPE I, SOMATIC; Neurofibromatosis, type I; Peripheral type neurofibromatosis. Identifiers: Orphanet 636, MedGen C0027831, MONDO:0018975, OMIM 162200. Disease mechanism: loss of function.
Cardiovascular phenotype. Identifiers: MedGen CN230736.
Hereditary cancer-predisposing syndrome. Also called: Neoplastic Syndromes, Hereditary; Tumor predisposition; Hereditary Cancer Syndrome; Hereditary neoplastic syndrome. Identifiers: Orphanet 140162, MedGen C0027672, MeSH D009386, MONDO:0015356.

Submissions (2):

Labcorp Genetics (formerly Invitae), Labcorp
Classification: Uncertain significance for Neurofibromatosis, type 1. Last evaluated: 2024-05-08. Review status: criteria provided, single submitter. Criteria: Invitae Variant Classification Sherloc (09022015). Collection method: clinical testing. Allele origin: germline.
Comment: This sequence change replaces valine, which is neutral and non-polar, with isoleucine, which is neutral and non-polar, at codon 166 of the NF1 protein (p.Val166Ile). This variant is not present in population databases (gnomAD no frequency). This variant has not been reported in the literature in individuals affected with NF1-related conditions. ClinVar contains an entry for this variant (Variation ID: 1744459). Advanced modeling of protein sequence and biophysical properties (such as structural, functional, and spatial information, amino acid conservation, physicochemical variation, residue mobility, and thermodynamic stability) performed at Invitae indicates that this missense variant is expected to disrupt NF1 protein function with a positive predictive value of 80%. In summary, the available evidence is currently insufficient to determine the role of this variant in disease. Therefore, it has been classified as a Variant of Uncertain Significance.

Ambry Genetics
Classification: Uncertain significance for Cardiovascular phenotype; Hereditary cancer-predisposing syndrome. Last evaluated: 2022-07-19. Review status: criteria provided, single submitter. Criteria: Ambry Variant Classification Scheme 2023. Collection method: clinical testing. Allele origin: germline.
Comment: The p.V166I variant (also known as c.496G>A), located in coding exon 5 of the NF1 gene, results from a G to A substitution at nucleotide position 496. The valine at codon 166 is replaced by isoleucine, an amino acid with highly similar properties. This amino acid position is conserved. In addition, the in silico prediction for this alteration is inconclusive. Since supporting evidence is limited at this time, the clinical significance of this alteration remains unclear.